The following is an entry in ClinVar:

ClinVar aggregate classification (germline): Likely benign. Review status: criteria provided, multiple submitters, no conflicts (2 of 4 stars). 2 submissions from 2 submitters: Likely benign (2). Last evaluated 2026-01-07.

Conditions:
Dilated cardiomyopathy 1G (CMD1G). Identifiers: Orphanet 154, MedGen C1858763, MONDO:0011400, OMIM 604145.
Autosomal recessive limb-girdle muscular dystrophy type 2J (LGMDR10). Also called: Limb-girdle muscular dystrophy, type 2J; MUSCULAR DYSTROPHY, LIMB-GIRDLE, AUTOSOMAL RECESSIVE 10. Identifiers: Orphanet 140922, MedGen C1837342, MONDO:0012127, OMIM 608807.

gnomAD v4.1: 1 of 1,613,736 alleles (0.000062%); no homozygotes.

Submissions (2):

Labcorp Genetics (formerly Invitae), Labcorp
Classification: Likely benign for Dilated cardiomyopathy 1G; Autosomal recessive limb-girdle muscular dystrophy type 2J. Last evaluated: 2026-01-07. Review status: criteria provided, single submitter. Criteria: Invitae Variant Classification Sherloc (09022015). Collection method: clinical testing. Allele origin: germline.

CeGaT Center for Human Genetics Tuebingen
Classification: Likely benign. Last evaluated: 2024-04-01. Review status: criteria provided, single submitter. Criteria: CeGaT Center For Human Genetics Tuebingen Variant Classification Criteria Version 2. Collection method: clinical testing. Allele origin: germline. Affected: yes. Observed: 1 variant allele.
Comment: TTN: PM2:Supporting, BP4, BP7

NM_001267550.2(TTN):c.99204G>A (p.Glu33068=)

Genes: TTN (titin; minus strand), TTN-AS1 (TTN antisense RNA 1; plus strand). Cytogenetic location: 2q31.2.
Variant type: single nucleotide variant.
Coding change: c.99204G>A on transcript NM_001267550.2 (MANE Select); coding-DNA position 99204, G replaced by A.
Protein change: p.Glu33068=; no amino-acid change (glutamic acid 33068 retained).
Molecular consequence: synonymous variant.
Genome position (GRCh38, 1-based): chr2:178,538,625, C>T on the plus strand (G>A on the coding strand, the complement: TTN is on the minus strand). VCF-style: chr2-178538625-C-T. GRCh37 (hg19) VCF-style: chr2-179403352-C-T.
Other names: c.94281G>A, p.Glu31427= (NM_001256850.1); c.72009G>A, p.Glu24003= (NM_003319.4); c.91500G>A, p.Glu30500= (NM_133378.4); c.72384G>A, p.Glu24128= (NM_133432.3); c.72585G>A, p.Glu24195= (NM_133437.4).
Identifiers: ClinVar variation 2932416 (VCV002932416.23), dbSNP rs2468729855, ClinGen allele CA430239341.